The following continues an entry in ClinVar:

NM_000059.4(BRCA2):c.8585dup (p.Glu2863fs)

Gene: BRCA2. ClinVar aggregate classification (germline): Pathogenic. Pathogenic (1).

Submissions 11 to 19 of 19:

Department of Pathology and Laboratory Medicine, Sinai Health System
Classification: Pathogenic for Familial cancer of breast; Breast-ovarian cancer, familial, susceptibility to, 2. Last evaluated: 2021-09-07. Review status: criteria provided, single submitter. Criteria: ACMG Guidelines, 2015. Collection method: clinical testing. Allele origin: germline. Affected: yes. Not counted in ClinVar's aggregate classification.

Quest Diagnostics Nichols Institute San Juan Capistrano
Classification: Pathogenic. Last evaluated: 2021-03-18. Review status: criteria provided, single submitter. Criteria: Quest Diagnostics criteria. Collection method: clinical testing. Allele origin: unknown. Not counted in ClinVar's aggregate classification.
Comment: This frameshift variant causes the premature termination of BRCA2 protein synthesis. It has been reported in individuals and families with breast cancer in the published literature (PMID: 26976419 (2016), 25186627 (2015), 12601471 (2003)). This variant has not been reported in large, multi-ethnic general populations. Based on the available information, this variant is classified as pathogenic.

Genomic Research Center, Shahid Beheshti University of Medical Sciences
Classification: Pathogenic for Breast-ovarian cancer, familial 2. Last evaluated: 2020-05-03. Review status: criteria provided, single submitter. Criteria: ACMG Guidelines, 2015. Collection method: clinical testing. Allele origin: unknown. Affected: yes. Not counted in ClinVar's aggregate classification.

Mendelics
Classification: Pathogenic for Hereditary breast and ovarian cancer syndrome. Last evaluated: 2018-07-02. Review status: criteria provided, single submitter. Criteria: Mendelics Assertion Criteria 2017. Collection method: clinical testing. Allele origin: unknown. Not counted in ClinVar's aggregate classification.

Women's Health and Genetics/Laboratory Corporation of America, LabCorp
Classification: Pathogenic for Hereditary breast ovarian cancer syndrome. Last evaluated: 2016-05-23. Review status: criteria provided, single submitter. Criteria: LabCorp Variant Classification Summary - May 2015. Collection method: clinical testing. Allele origin: germline. Not counted in ClinVar's aggregate classification.
Comment: Variant summary: The BRCA2 c.8585dupT (p.Glu2863Argfs) frameshift variant results in a premature termination codon, predicted to cause a truncated or absent BRCA2 protein due to nonsense mediated decay, which are commonly known mechanisms for disease. Mutation taster predicts a damaging outcome for this variant. This variant is absent in 121206 control chromosomes while it was reported in HBOC patients indicating pathogenicity. The variant is located in a close proximity to other known pathogenic variants, such as c.8575delC (p.Gln2859Lysfs), c.8594dupT (p.Leu2865Phefs). These variants have been reported in UMD, BIC and HGMD > 25 times with a classification of pathogenic, indicating that the variant in interest is located in a mutational hot spot and further supporting a deleterious impact. The variant in interest shows strong evidence for pathogenicity: it is a truncating variant, located in a mutational hot spot, it is absent from controls (ExAC). Furthermore, reputable databases and clinical diagnostic centers classify this variant as pathogenic. Taken together the variant was classified as a Pathogenic.

Consortium of Investigators of Modifiers of BRCA1/2 (CIMBA), c/o University of Cambridge
Classification: Pathogenic for Breast-ovarian cancer, familial, susceptibility to, 2. Last evaluated: 2015-10-02. Review status: criteria provided, single submitter. Criteria: CIMBA Mutation Classification guidelines May 2016. Collection method: clinical testing. Allele origin: germline. Not counted in ClinVar's aggregate classification.

Research Molecular Genetics Laboratory, Women's College Hospital, University of Toronto
Classification: Pathogenic for Hereditary breast ovarian cancer syndrome. Last evaluated: 2014-01-31. Review status: no assertion criteria provided. Collection method: research. Allele origin: germline. Affected: yes. Study: The Canadian Open Genetics Repository (COGR). Not counted in ClinVar's aggregate classification.

Sharing Clinical Reports Project (SCRP)
Classification: Pathogenic for Breast-ovarian cancer, familial 2. Last evaluated: 2012-05-01. Review status: no assertion criteria provided. Collection method: clinical testing. Allele origin: germline. Not counted in ClinVar's aggregate classification.

Breast Cancer Information Core (BIC) (BRCA2)
Classification: Pathogenic for Breast-ovarian cancer, familial 2. Last evaluated: 2004-02-20. Review status: no assertion criteria provided. Collection method: clinical testing. Allele origin: germline. Affected: yes. Observed: 4 variant alleles. Not counted in ClinVar's aggregate classification.

Literature cited by the submitters: PubMed 20104584 (cited by Labcorp Genetics (formerly Invitae), Labcorp and GeneKor MSA); PubMed 12601471 (cited by 8 submitters); PubMed 26976419 (cited by 8 submitters); PubMed 29446198 (cited by 3 submitters); PubMed 31451522 (cited by 3 submitters); PubMed 25186627 (cited by 3 submitters); PubMed 33754277 (cited by All of Us Research Program, National Institutes of Health and Color Diagnostics, LLC DBA Color Health); PubMed 36605468 (cited by All of Us Research Program, National Institutes of Health and Color Diagnostics, LLC DBA Color Health); PubMed 14732925 (cited by Women's Health and Genetics/Laboratory Corporation of America, LabCorp); PubMed 21702907 (cited by Women's Health and Genetics/Laboratory Corporation of America, LabCorp).